The following is an entry in ClinVar:

ClinVar aggregate classification (germline): Uncertain significance. Review status: criteria provided, multiple submitters, no conflicts (2 of 4 stars). 3 submissions from 3 submitters: Uncertain significance (3). Last evaluated 2025-10-03.

Conditions:
Colorectal cancer. Also called: Colorectal cancer, somatic; Malignant Colorectal Neoplasm. Identifiers: MedGen C0346629, MONDO:0005575, OMIM 114500.

Allele frequency attached by ClinVar (database versions not stated): TOPMed 0.00015; ExAC 0.00016; gnomAD 0.00017 and 0.00018; gnomAD exomes 0.00019 and 0.00025; ESP Exome Variant Server 0.00031.
gnomAD v4.1: 394 of 1,613,958 alleles (0.024%); highest among the groups gnomAD compares: Non-Finnish European, 0.031%; no homozygotes.

Submissions (3):

Labcorp Genetics (formerly Invitae), Labcorp
Classification: Uncertain significance. Last evaluated: 2025-10-03. Review status: criteria provided, single submitter. Criteria: Invitae Variant Classification Sherloc (09022015). Collection method: clinical testing. Allele origin: germline.
Comment: This sequence change replaces proline, which is neutral and non-polar, with leucine, which is neutral and non-polar, at codon 567 of the DLC1 protein (p.Pro567Leu). This variant is present in population databases (rs139415835, gnomAD 0.04%). This variant has not been reported in the literature in individuals affected with DLC1-related conditions. ClinVar contains an entry for this variant (Variation ID: 1511026). An algorithm developed to predict the effect of missense changes on protein structure and function (PolyPhen-2) suggests that this variant is likely to be tolerated. In summary, the available evidence is currently insufficient to determine the role of this variant in disease. Therefore, it has been classified as a Variant of Uncertain Significance.

Blueprint Genetics
Classification: Uncertain significance. Last evaluated: 2024-11-20. Review status: criteria provided, single submitter. Criteria: ACMG Guidelines, 2015. Collection method: clinical testing. Allele origin: germline.

Fulgent Genetics
Classification: Uncertain significance for Colorectal cancer. Last evaluated: 2024-05-07. Review status: criteria provided, single submitter. Criteria: ACMG Guidelines, 2015. Collection method: clinical testing. Allele origin: germline.

NM_182643.3(DLC1):c.1700C>T (p.Pro567Leu)

Gene: DLC1 (DLC1 Rho GTPase activating protein; minus strand). Cytogenetic location: 8p22.
Variant type: single nucleotide variant.
Coding change: c.1700C>T on transcript NM_182643.3 (MANE Select); coding-DNA position 1700, C replaced by T.
Protein change: p.Pro567Leu; replaces proline 567 with leucine.
Molecular consequence: missense variant.
Genome position (GRCh38, 1-based): chr8:13,100,637, G>A on the plus strand (C>T on the coding strand, the complement: DLC1 is on the minus strand). VCF-style: chr8-13100637-G-A. GRCh37 (hg19) VCF-style: chr8-12958146-G-A.
Other names: c.167C>T, p.Pro56Leu (NM_001164271.2, NM_001348082.2, NM_001348083.1 and 1 more transcripts); c.491C>T, p.Pro164Leu (NM_001316668.2); c.1700C>T, p.Pro567Leu (NM_001348081.2); c.389C>T, p.Pro130Leu (NM_006094.5); short protein forms P164L, P130L, P567L, P56L.
Identifiers: ClinVar variation 1511026 (VCV001511026.8), dbSNP rs139415835, ClinGen allele CA4638845.